The following is an entry in ClinVar:

NM_007294.4(BRCA1):c.5198A>C (p.Asp1733Ala)

Gene: BRCA1 (BRCA1 DNA repair associated; minus strand). Cytogenetic location: 17q21.31.
Variant type: single nucleotide variant.
Coding change: c.5198A>C on transcript NM_007294.4 (MANE Select); coding-DNA position 5198, A replaced by C.
Protein change: p.Asp1733Ala; replaces aspartic acid 1733 with alanine.
Molecular consequence: missense variant. On other transcripts: non-coding transcript variant (1).
Genome position (GRCh38, 1-based): chr17:43,057,131, T>G on the plus strand (A>C on the coding strand, the complement: BRCA1 is on the minus strand). VCF-style: chr17-43057131-T-G. GRCh37 (hg19) VCF-style: chr17-41209148-T-G.
Other names: c.4985A>C, p.Asp1662Ala (NM_001407571.1, NM_001407900.1, NM_001407902.1 and 12 more transcripts); c.5264A>C, p.Asp1755Ala (NM_001407581.1, NM_001407582.1); c.5261A>C, p.Asp1754Ala (NM_001407583.1, NM_001407585.1, NM_001407587.1 and 1 more transcripts); c.5195A>C, p.Asp1732Ala (NM_001407610.1, NM_001407611.1, NM_001407612.1 and 17 more transcripts); c.5192A>C, p.Asp1731Ala (NM_001407629.1, NM_001407630.1, NM_001407631.1 and 14 more transcripts); c.5138A>C, p.Asp1713Ala (NM_001407649.1); c.5120A>C, p.Asp1707Ala (NM_001407652.1, NM_001407653.1, NM_001407654.1 and 1 more transcripts); c.5117A>C, p.Asp1706Ala (NM_001407656.1, NM_001407657.1, NM_001407658.1); and 72 more; short protein forms D1686A, D1733A, D1754A, D629A, D1437A, D1666A, D1684A, D1714A.
Identifiers: ClinVar variation 867837 (VCV000867837.3), dbSNP rs80357270, ClinGen allele CA10591137.

Conditions:
Breast-ovarian cancer, familial, susceptibility to, 1 (BROVCA1). Also called: BRCA1 Hereditary Breast and Ovarian Cancer; OVARIAN CANCER, SUSCEPTIBILITY TO. Identifiers: Orphanet 145, MedGen C2676676, MONDO:0011450, OMIM 604370. Disease mechanism: loss of function.

Submission:

Brotman Baty Institute, University of Washington
No classification provided (evidence only). Condition: Breast-ovarian cancer, familial 1. Review status: no classification provided. Collection method: in vitro. Allele origin: not applicable. Functional consequence: functionally_normal.
ClinVar note: "not provided" was previously submitted as the classification for the variant. However, the classification appeared to be based only on an observation of functional data so it was converted to no classification on 2025-07-30.